The following is an entry in ClinVar:

NM_001330288.2(SMARCC2):c.1691G>T (p.Gly564Val)

Gene: SMARCC2 (SWI/SNF related BAF chromatin remodeling complex subunit C2; minus strand). Cytogenetic location: 12q13.2.
Variant type: single nucleotide variant.
Coding change: c.1691G>T on transcript NM_001330288.2 (MANE Select); coding-DNA position 1691, G replaced by T.
Protein change: p.Gly564Val; replaces glycine 564 with valine.
Molecular consequence: missense variant. On other transcripts: intron variant (1).
Genome position (GRCh38, 1-based): chr12:56,172,989, C>A on the plus strand (G>T on the coding strand, the complement: SMARCC2 is on the minus strand). VCF-style: chr12-56172989-C-A. GRCh37 (hg19) VCF-style: chr12-56566773-C-A.
Other names: c.1691G>T, p.Gly564Val (NM_001130420.3, NM_139067.4); c.1651-285G>T (NM_003075.5); short protein forms G564V.
Identifiers: ClinVar variation 4885698 (VCV004885698.2).

ClinVar aggregate classification (germline): Uncertain significance (1 of 4 stars; one submission).

Submission:

Dasa
Classification: Uncertain significance. Last evaluated: 2025-06-21. Review status: criteria provided, single submitter. Criteria: DASA Assertion Criteria. Collection method: clinical testing. Allele origin: germline.
Comment: NM_001330288.2(SMARCC2):c.1691G>T (p.Gly564Val) is a missense variant that results in the substitution of glycine with valine. This variant is absent from population databases. Computational prediction algorithms are consistent with a benign effect. The currently available literature and clinical evidence are not sufficient to establish a definitive association between this variant and the reported condition. Therefore, this variant is classified as a variant of uncertain significance.